The following is an entry in ClinVar:

NM_002691.4(POLD1):c.1026del (p.Arg343fs)

Gene: POLD1 (DNA polymerase delta 1, catalytic subunit; plus strand). Cytogenetic location: 19q13.33.
Variant type: Deletion.
Coding change: c.1026del on transcript NM_002691.4 (MANE Select); coding-DNA position 1026, one base deleted (G; older notation c.1026delG).
Protein change: p.Arg343fs; shifts the reading frame from arginine 343.
Molecular consequence: frameshift variant. On other transcripts: non-coding transcript variant (1).
Genome position (GRCh38, 1-based): chr19:50,403,108, G deleted. VCF-style (leftmost placement, unchanged base first): chr19-50403107-TG-T. GRCh37 (hg19) VCF-style: chr19-50906364-TG-T.
Other names: c.1026del, p.Arg343fs (NM_001256849.1, NM_001308632.1, NM_001438210.1 and 3 more transcripts); short protein forms R343fs.
Identifiers: ClinVar variation 4140984 (VCV004140984.1).

ClinVar aggregate classification (germline): Uncertain significance (1 of 4 stars; one submission).

Conditions:
Hereditary cancer-predisposing syndrome. Also called: Hereditary neoplastic syndrome; Neoplastic Syndromes, Hereditary; Tumor predisposition; Hereditary Cancer Syndrome. Identifiers: Orphanet 140162, MedGen C0027672, MeSH D009386, MONDO:0015356.

Submission:

Ambry Genetics
Classification: Uncertain significance for Hereditary cancer-predisposing syndrome. Last evaluated: 2025-06-23. Review status: criteria provided, single submitter. Criteria: Ambry Variant Classification Scheme 2023. Collection method: clinical testing. Allele origin: germline.
Comment: The c.1026delG variant, located in coding exon 8 of the POLD1 gene, results from a deletion of one nucleotide at nucleotide position 1026, causing a translational frameshift with a predicted alternate stop codon (p.R343Afs*50). This alteration is expected to result in protein truncation or nonsense-mediated mRNA decay. However, loss of function of POLD1 has not been established as a mechanism of disease. Based on the available evidence, the clinical significance of this alteration remains unclear.